The following is an entry in ClinVar:

NM_000834.5(GRIN2B):c.1907C>T (p.Ala636Val)

Gene: GRIN2B (glutamate ionotropic receptor NMDA type subunit 2B; minus strand). Cytogenetic location: 12p13.1.
Variant type: single nucleotide variant.
Coding change: c.1907C>T on transcript NM_000834.5 (MANE Select); coding-DNA position 1907, C replaced by T.
Protein change: p.Ala636Val; replaces alanine 636 with valine.
Molecular consequence: missense variant.
Genome position (GRCh38, 1-based): chr12:13,608,706, G>A on the plus strand (C>T on the coding strand, the complement: GRIN2B is on the minus strand). VCF-style: chr12-13608706-G-A. GRCh37 (hg19) VCF-style: chr12-13761640-G-A.
Other names: short protein forms A636V.
Identifiers: ClinVar variation 205731 (VCV000205731.1), dbSNP rs1555110818, ClinGen allele CA315089.
Genomic context (GRCh38, chr12:13,608,706, plus strand): 5'-TGGATCATGAAGGCAGCTAAGTTGGCAGTGTAGCTGGCCAGGAAGATGACAGCAAAGAAG[G>A]CCCACACTGACACCATGATCTTGGAGGTGGTCCCCTTTGGGTTCTGCACAGGTACGGAGT-3'
Protein context (NP_000825.2, residues 626-646): TTSKIMVSVW[Ala636Val]FFAVIFLASY

ClinVar aggregate classification (germline): Likely pathogenic (1 of 4 stars; one submission).

Conditions:
Intellectual developmental disorder, autosomal dominant 6, with or without seizures. Also called: Intellectual disability, autosomal dominant 6; GRIN2B-related developmental delay, intellectual disability and autism spectrum disorder. Identifiers: Orphanet 589547, MedGen C3151411, MONDO:0013509, OMIM 613970.

Submission:

Institute of Human Genetics, University of Leipzig Medical Center
Classification: Likely pathogenic for Intellectual developmental disorder, autosomal dominant 6, with or without seizures. Last evaluated: 2017-04-04. Review status: criteria provided, single submitter. Criteria: ACMG Guidelines, 2015. Collection method: clinical testing. Allele origin: de novo. Affected: yes.
Comment: This variant was identified as de novo (maternity and paternity confirmed).

Literature cited by the submitters: PubMed 28377535.